The following is an entry in ClinVar:

NM_000548.4(TSC2):c.2744_2751del8

Gene: TSC2 (TSC complex subunit 2; plus strand). Cytogenetic location: 16p13.3.
Variant type: Deletion.
Coding change: c.2744_2751del8 on transcript NM_000548.4; coding-DNA positions 2744 to 2751, 8 bases deleted (GCCTGCGG; older notation c.2744_2751del8GCCTGCGG).
Genome position (GRCh38, 1-based): chr16:2,076,492-2,076,499, GCCTGCGG deleted; deleting any 8 consecutive bases within chr16:2,076,490-2,076,499 gives the same sequence; the c. name uses the placement nearest the transcript's 3' end. VCF-style (leftmost placement, unchanged base first): chr16-2076489-AGGGCCTGC-A. GRCh37 (hg19) VCF-style: chr16-2126490-AGGGCCTGC-A.
Identifiers: ClinVar variation 3346934 (VCV003346934.1).

ClinVar aggregate classification (germline): Likely pathogenic (0 of 4 stars; one submission).

Conditions:
TSC2-related disorder. Also called: TSC2-Related Disorders; TSC2-related condition.

Submission:

PreventionGenetics, part of Exact Sciences
Classification: Likely pathogenic for TSC2-related condition. Last evaluated: 2024-09-28. Review status: no assertion criteria provided. Collection method: clinical testing. Allele origin: germline.
Comment: The TSC2 c.2744_2751del8 variant is predicted to result in a frameshift and premature protein termination (p.Gly915Valfs*8). To our knowledge, this variant has not been reported in the literature or in a large population database, indicating this variant is rare. Frameshift variants in TSC2 are expected to be pathogenic. This variant is interpreted as likely pathogenic.